The following is an entry in ClinVar:

ClinVar aggregate classification (germline): Uncertain significance (1 of 4 stars; one submission).

gnomAD v4.1: 1 of 1,614,044 alleles (0.000062%); highest among the groups gnomAD compares: Non-Finnish European, 0.000085%; no homozygotes.

Submission:

Ambry Genetics
Classification: Uncertain significance. Last evaluated: 2025-12-11. Review status: criteria provided, single submitter. Criteria: Ambry Variant Classification Scheme 2023. Collection method: clinical testing. Allele origin: germline.
Comment: The p.H945N variant (also known as c.2833C>A), located in coding exon 25 of the KIF1B gene, results from a C to A substitution at nucleotide position 2833. The histidine at codon 945 is replaced by asparagine, an amino acid with similar properties. This amino acid position is conserved. In addition, the in silico prediction for this alteration is inconclusive. Based on the available evidence, the clinical significance of this variant remains unclear.

NM_001365951.3(KIF1B):c.2971C>A (p.His991Asn)

Gene: KIF1B (kinesin family member 1B; plus strand). Cytogenetic location: 1p36.22.
Variant type: single nucleotide variant.
Coding change: c.2971C>A on transcript NM_001365951.3 (MANE Select); coding-DNA position 2971, C replaced by A.
Protein change: p.His991Asn; replaces histidine 991 with asparagine.
Molecular consequence: missense variant.
Genome position (GRCh38, 1-based): chr1:10,334,566, C>A. VCF-style: chr1-10334566-C-A. GRCh37 (hg19) VCF-style: chr1-10394624-C-A.
Other names: c.2971C>A, p.His991Asn (NM_001365952.1); c.2833C>A, p.His945Asn (NM_015074.3); short protein forms H945N, H991N.
Identifiers: ClinVar variation 4543696 (VCV004543696.1).